The following is an entry in ClinVar:

NM_001110556.2(FLNA):c.29A>G (p.Gln10Arg)

Gene: FLNA (filamin A; minus strand). Cytogenetic location: Xq28.
Variant type: single nucleotide variant.
Coding change: c.29A>G on transcript NM_001110556.2 (MANE Select); coding-DNA position 29, A replaced by G.
Protein change: p.Gln10Arg; replaces glutamine 10 with arginine.
Molecular consequence: missense variant.
Genome position (GRCh38, 1-based): chrX:154,371,217, T>C on the plus strand (A>G on the coding strand, the complement: FLNA is on the minus strand). VCF-style: chrX-154371217-T-C. GRCh37 (hg19) VCF-style: chrX-153599585-T-C.
Other names: c.29A>G, p.Gln10Arg (NM_001456.4); short protein forms Q10R.
Identifiers: ClinVar variation 643016 (VCV000643016.10), dbSNP rs781988041, ClinGen allele CA10561472.

ClinVar aggregate classification (germline): Conflicting classifications of pathogenicity. Review status: criteria provided, conflicting classifications (1 of 4 stars). 2 submissions from 2 submitters: Uncertain significance (1); Benign (1). Last evaluated 2026-01-24.

Conditions:
Heterotopia, periventricular, X-linked dominant (PVNH1). Also called: PERIVENTRICULAR NODULAR HETEROTOPIA 4; HETEROTOPIA, PERIVENTRICULAR, 1; PERIVENTRICULAR NODULAR HETEROTOPIA 1; X-linked periventricular heterotopia. Identifiers: Orphanet 2149, Orphanet 82004, MedGen C1848213, MONDO:0010233, OMIM 300049.
Oto-palato-digital syndrome, type II (OPD2). Also called: Otopalatodigital Syndrome, Type II; FACIOPALATOOSSEOUS SYNDROME; OPD II SYNDROME; Otopalatodigital Syndrome Type 2 (FLNA-OPD2). Identifiers: Orphanet 669, Orphanet 90652, MedGen C1844696, MONDO:0010571, OMIM 304120.
Melnick-Needles syndrome (MNS). Also called: MELNICK-NEEDLES OSTEODYSPLASTY; OSTEODYSPLASTY OF MELNICK AND NEEDLES; Melnick-Needles Syndrome (FLNA-MNS). Identifiers: Orphanet 2484, MedGen C0025237, MONDO:0010650, OMIM 309350.
Frontometaphyseal dysplasia (FMD1). Identifiers: Orphanet 1826, MedGen C0265293, MONDO:0015942.

Allele frequency attached by ClinVar (database versions not stated): ExAC below 0.00001; gnomAD exomes 0.00001 and 0.00002; TOPMed 0.00003; gnomAD 0.00004.
gnomAD v4.1: 17 of 1,198,579 alleles (0.0014%); highest among the groups gnomAD compares: Admixed American, 0.0023%; no homozygotes.

Submissions (2):

Labcorp Genetics (formerly Invitae), Labcorp
Classification: Benign for Oto-palato-digital syndrome, type II; Heterotopia, periventricular, X-linked dominant; Frontometaphyseal dysplasia; Melnick-Needles syndrome. Last evaluated: 2026-01-24. Review status: criteria provided, single submitter. Criteria: Invitae Variant Classification Sherloc (09022015). Collection method: clinical testing. Allele origin: germline.

GeneDx
Classification: Uncertain significance. Last evaluated: 2022-02-08. Review status: criteria provided, single submitter. Criteria: GeneDx Variant Classification Process June 2021. Collection method: clinical testing. Allele origin: germline. Affected: yes.
Comment: Has not been previously published as pathogenic or benign to our knowledge; In silico analysis supports that this missense variant does not alter protein structure/function; Reported in ClinVar as a variant of uncertain significance (ClinVar Variant ID# 643016)